The following is an entry in ClinVar:

ClinVar aggregate classification (germline): Pathogenic. Review status: criteria provided, multiple submitters, no conflicts (2 of 4 stars). 3 submissions from 3 submitters: Pathogenic (3). Last evaluated 2024-10-08.

Conditions:
Autosomal recessive congenital ichthyosis 1 (LI1). Also called: COLLODION FETUS; ICHTHYOSIS, CONGENITAL, AUTOSOMAL RECESSIVE 1, WITH BATHING SUIT DISTRIBUTION; ICHTHYOSIS, CONGENITAL, AUTOSOMAL RECESSIVE 1, WITH OR WITHOUT BATHING SUIT DISTRIBUTION; DESQUAMATION OF NEWBORN; ICHTHYOSIS CONGENITA; ICHTHYOSIS CONGENITA II. Identifiers: MedGen C4551630, MONDO:0009441, OMIM 242300.

Allele frequency attached by ClinVar (database versions not stated): gnomAD exomes below 0.00001 and 0.00001; gnomAD 0.00001; TOPMed 0.00001; ESP Exome Variant Server 0.00008.

Submissions (3):

GeneDx
Classification: Pathogenic. Last evaluated: 2024-10-08. Review status: criteria provided, single submitter. Criteria: GeneDx Variant Classification Process June 2021. Collection method: clinical testing. Allele origin: germline.
Comment: Frameshift variant predicted to result in protein truncation or nonsense mediated decay in a gene for which loss of function is a known mechanism of disease; Not observed at significant frequency in large population cohorts (gnomAD); This variant is associated with the following publications: (PMID: 31168818, 34851365)

Baylor Genetics
Classification: Pathogenic for Autosomal recessive congenital ichthyosis 1. Last evaluated: 2023-04-24. Review status: criteria provided, single submitter. Criteria: ACMG Guidelines, 2015. Collection method: clinical testing. Allele origin: unknown.

Labcorp Genetics (formerly Invitae), Labcorp
Classification: Pathogenic. Last evaluated: 2021-09-14. Review status: criteria provided, single submitter. Criteria: Invitae Variant Classification Sherloc (09022015). Collection method: clinical testing. Allele origin: germline.
Comment: For these reasons, this variant has been classified as Pathogenic. This premature translational stop signal has been observed in individual(s) with clinical features of ichthyosis (PMID: 31168818). This variant is not present in population databases (ExAC no frequency). This sequence change creates a premature translational stop signal (p.Val518Trpfs*40) in the TGM1 gene. It is expected to result in an absent or disrupted protein product. Loss-of-function variants in TGM1 are known to be pathogenic (PMID: 18948357, 19241467).

Literature cited by the submitters: PubMed 31168818 (cited by Labcorp Genetics (formerly Invitae), Labcorp); PubMed 18948357 (cited by Labcorp Genetics (formerly Invitae), Labcorp); PubMed 19241467 (cited by Labcorp Genetics (formerly Invitae), Labcorp).

NM_000359.3(TGM1):c.1552del (p.Val518fs)

Gene: TGM1 (transglutaminase 1; minus strand). Cytogenetic location: 14q12.
Variant type: Deletion.
Coding change: c.1552del on transcript NM_000359.3 (MANE Select); coding-DNA position 1552, one base deleted (G; older notation c.1552delG).
Protein change: p.Val518fs; shifts the reading frame from valine 518.
Molecular consequence: frameshift variant.
Genome position (GRCh38, 1-based): chr14:24,255,457, C deleted on the plus strand (G on the coding strand, the reverse complement: TGM1 is on the minus strand). VCF-style (leftmost placement, unchanged base first): chr14-24255456-AC-A. GRCh37 (hg19) VCF-style: chr14-24724662-AC-A.
Other names: c.1552del (NM_000359.2); short protein forms V518fs.
Identifiers: ClinVar variation 1435036 (VCV001435036.8), dbSNP rs1294460452, ClinGen allele CA485782975.
Genomic context (GRCh38, chr14:24,255,456, plus strand): 5'-TCCCGCATGTTGGAGCTGATGGCCTTTGTGACAATGAGTGTGCCGATGGCCTTCTCCTCC[AC>A]ATAAACAATCTTGAAGCTGCCATCATCCTGCCGCTGCCAGTACACCTTGTCACTATTCAC-3'